The following is an entry in ClinVar:

ClinVar aggregate classification (germline): Conflicting classifications of pathogenicity. Review status: criteria provided, conflicting classifications (1 of 4 stars). 4 submissions from 4 submitters: Uncertain significance (1); Likely benign (2). 1 of the submissions does not count toward it. Last evaluated 2025-07-01.

Conditions:
MERTK-related disorder. Also called: MERTK-related condition.

Allele frequency attached by ClinVar (database versions not stated): gnomAD exomes below 0.00001; TOPMed 0.00001.
gnomAD v4.1: 6 of 1,614,106 alleles (0.00037%); highest among the groups gnomAD compares: Middle Eastern, 0.016%; no homozygotes.

Submissions (4):

CeGaT Center for Human Genetics Tuebingen
Classification: Likely benign. Last evaluated: 2025-07-01. Review status: criteria provided, single submitter. Criteria: CeGaT Center For Human Genetics Tuebingen Variant Classification Criteria Version 2. Collection method: clinical testing. Allele origin: germline. Affected: yes. Observed: 1 variant allele.
Comment: MERTK: BP4

Labcorp Genetics (formerly Invitae), Labcorp
Classification: Likely benign. Last evaluated: 2025-02-17. Review status: criteria provided, single submitter. Criteria: Invitae Variant Classification Sherloc (09022015). Collection method: clinical testing. Allele origin: germline.

Blueprint Genetics
Classification: Uncertain significance. Last evaluated: 2023-06-06. Review status: criteria provided, single submitter. Criteria: ACMG Guidelines, 2015. Collection method: clinical testing. Allele origin: germline.

PreventionGenetics, part of Exact Sciences
Classification: Likely benign for MERTK-related condition. Last evaluated: 2019-07-03. Review status: no assertion criteria provided. Collection method: clinical testing. Allele origin: germline. Not counted in ClinVar's aggregate classification.
Comment: This variant is classified as likely benign based on ACMG/AMP sequence variant interpretation guidelines (Richards et al. 2015 PMID: 25741868, with internal and published modifications).

NM_006343.3(MERTK):c.1113C>T (p.Ser371=)

Genes: MERTK (MER proto-oncogene, tyrosine kinase; plus strand), LOC112806037 (Sharpr-MPRA regulatory region 3720; plus strand). Cytogenetic location: 2q13.
Variant type: single nucleotide variant.
Coding change: c.1113C>T on transcript NM_006343.3 (MANE Select); coding-DNA position 1113, C replaced by T.
Protein change: p.Ser371=; no amino-acid change (serine 371 retained).
Molecular consequence: synonymous variant.
Genome position (GRCh38, 1-based): chr2:111,975,441, C>T. VCF-style: chr2-111975441-C-T. GRCh37 (hg19) VCF-style: chr2-112733018-C-T.
Other names: c.1113C>T (NM_006343.2).
Identifiers: ClinVar variation 2083573 (VCV002083573.15), dbSNP rs1676227528, ClinGen allele CA428275035.
Genomic context (GRCh38, chr2:111,975,441, plus strand): 5'-CCTGGCTAATTACAGCATTGGTGTTTCCTGCATGAATGAAATAGGCTGGTCTGCAGTGAG[C>T]CCTTGGATTCTAGCCAGCACGACTGAAGGAGGTAATTCCTGGGGTTCAGAATGTATATTG-3'
Protein context (NP_006334.2, residues 361-381): CMNEIGWSAV[Ser371=]PWILASTTEG